The following is an entry in ClinVar:

ClinVar aggregate classification (germline): Uncertain significance. Review status: criteria provided, multiple submitters, no conflicts (2 of 4 stars). 2 submissions from 2 submitters: Uncertain significance (2). Last evaluated 2024-08-19.

Conditions:
Severe combined immunodeficiency due to DNA-PKcs deficiency. Also called: IMMUNODEFICIENCY 26 WITH NEUROLOGIC ABNORMALITIES; Immunodeficiency 26 with or without neurologic abnormalities. Identifiers: Orphanet 317425, MedGen C4014833, MONDO:0014423, OMIM 615966.

Submissions (2):

Ambry Genetics
Classification: Uncertain significance. Last evaluated: 2024-08-19. Review status: criteria provided, single submitter. Criteria: Ambry Variant Classification Scheme 2023. Collection method: clinical testing. Allele origin: germline.
Comment: The p.Y366F variant (also known as c.1097A>T), located in coding exon 11 of the PRKDC gene, results from an A to T substitution at nucleotide position 1097. The tyrosine at codon 366 is replaced by phenylalanine, an amino acid with highly similar properties. This amino acid position is conserved. In addition, this alteration is predicted to be tolerated by in silico analysis. Based on the available evidence, the clinical significance of this variant remains unclear.

Labcorp Genetics (formerly Invitae), Labcorp
Classification: Uncertain significance for Severe combined immunodeficiency due to DNA-PKcs deficiency. Last evaluated: 2022-05-21. Review status: criteria provided, single submitter. Criteria: Invitae Variant Classification Sherloc (09022015). Collection method: clinical testing. Allele origin: germline.
Comment: This variant is not present in population databases (gnomAD no frequency). In summary, the available evidence is currently insufficient to determine the role of this variant in disease. Therefore, it has been classified as a Variant of Uncertain Significance. Experimental studies and prediction algorithms are not available or were not evaluated, and the functional significance of this variant is currently unknown. This variant has not been reported in the literature in individuals affected with PRKDC-related conditions. This sequence change replaces tyrosine, which is neutral and polar, with phenylalanine, which is neutral and non-polar, at codon 366 of the PRKDC protein (p.Tyr366Phe).

NM_006904.7(PRKDC):c.1097A>T (p.Tyr366Phe)

Gene: PRKDC (protein kinase, DNA-activated, catalytic subunit; minus strand). Cytogenetic location: 8q11.21.
Variant type: single nucleotide variant.
Coding change: c.1097A>T on transcript NM_006904.7 (MANE Select); coding-DNA position 1097, A replaced by T.
Protein change: p.Tyr366Phe; replaces tyrosine 366 with phenylalanine.
Molecular consequence: missense variant.
Genome position (GRCh38, 1-based): chr8:47,939,567, T>A on the plus strand (A>T on the coding strand, the complement: PRKDC is on the minus strand). VCF-style: chr8-47939567-T-A. GRCh37 (hg19) VCF-style: chr8-48852127-T-A.
Other names: c.1097A>T, p.Tyr366Phe (NM_001081640.2); short protein forms Y366F.
Identifiers: ClinVar variation 1997763 (VCV001997763.5), dbSNP rs778978025, ClinGen allele CA371166577.